The following is an entry in ClinVar:

NM_001378454.1(ALMS1):c.5453G>T (p.Arg1818Leu)

Gene: ALMS1 (ALMS1 centrosome and basal body associated protein; plus strand). Cytogenetic location: 2p13.1.
Variant type: single nucleotide variant.
Coding change: c.5453G>T on transcript NM_001378454.1 (MANE Select); coding-DNA position 5453, G replaced by T.
Protein change: p.Arg1818Leu; replaces arginine 1818 with leucine.
Molecular consequence: missense variant.
Genome position (GRCh38, 1-based): chr2:73,451,980, G>T. VCF-style: chr2-73451980-G-T. GRCh37 (hg19) VCF-style: chr2-73679107-G-T.
Other names: c.5456G>T, p.Arg1819Leu (NM_015120.4); short protein forms R1818L, R1819L.
Identifiers: ClinVar variation 990689 (VCV000990689.14), dbSNP rs200925575, ClinGen allele CA1713886.

ClinVar aggregate classification (germline): Uncertain significance. Review status: criteria provided, multiple submitters, no conflicts (2 of 4 stars). 8 submissions from 8 submitters: Uncertain significance (7). 1 of the submissions does not count toward it. Last evaluated 2026-06-29.

Conditions:
Alstrom syndrome (ALMS). Identifiers: Orphanet 64, MedGen C0268425, MONDO:0008763, OMIM 203800.
Cardiovascular phenotype. Identifiers: MedGen CN230736.

Allele frequency attached by ClinVar (database versions not stated): ESP Exome Variant Server 0.00008; TOPMed 0.00008.
gnomAD v4.1: 121 of 1,612,200 alleles (0.0075%); highest among the groups gnomAD compares: Non-Finnish European, 0.007%; no homozygotes.

Submissions (8):

GeneDx
Classification: Uncertain significance. Last evaluated: 2026-06-29. Review status: criteria provided, single submitter. Criteria: GeneDx Variant Classification Process June 2021. Collection method: clinical testing. Allele origin: germline.
Comment: In silico analysis suggests that this missense variant does not alter protein structure/function; Has not been previously published as pathogenic or benign to our knowledge

Labcorp Genetics (formerly Invitae), Labcorp
Classification: Uncertain significance for Alstrom syndrome. Last evaluated: 2024-12-06. Review status: criteria provided, single submitter. Criteria: Invitae Variant Classification Sherloc (09022015). Collection method: clinical testing. Allele origin: germline.
Comment: This sequence change replaces arginine, which is basic and polar, with leucine, which is neutral and non-polar, at codon 1819 of the ALMS1 protein (p.Arg1819Leu). This variant is present in population databases (rs200925575, gnomAD 0.09%). This variant has not been reported in the literature in individuals affected with ALMS1-related conditions. ClinVar contains an entry for this variant (Variation ID: 990689). Experimental studies and prediction algorithms are not available or were not evaluated, and the functional significance of this variant is currently unknown. In summary, the available evidence is currently insufficient to determine the role of this variant in disease. Therefore, it has been classified as a Variant of Uncertain Significance.

Ambry Genetics
Classification: Uncertain significance for Cardiovascular phenotype. Last evaluated: 2024-11-04. Review status: criteria provided, single submitter. Criteria: Ambry Variant Classification Scheme 2023. Collection method: clinical testing. Allele origin: germline.
Comment: The p.R1819L variant (also known as c.5456G>T), located in coding exon 8 of the ALMS1 gene, results from a G to T substitution at nucleotide position 5456. The arginine at codon 1819 is replaced by leucine, an amino acid with dissimilar properties. This amino acid position is poorly conserved in available vertebrate species. In addition, this alteration is predicted to be tolerated by in silico analysis. Based on the available evidence, the clinical significance of this variant remains unclear.

Blueprint Genetics
Classification: Uncertain significance. Last evaluated: 2024-10-22. Review status: criteria provided, single submitter. Criteria: ACMG Guidelines, 2015. Collection method: clinical testing. Allele origin: germline.

Women's Health and Genetics/Laboratory Corporation of America, LabCorp
Classification: Uncertain significance. Last evaluated: 2022-07-30. Review status: criteria provided, single submitter. Criteria: LabCorp Variant Classification Summary - May 2015. Collection method: clinical testing. Allele origin: germline.

New York Genome Center
Classification: Uncertain significance for Alstrom syndrome. Last evaluated: 2021-07-30. Review status: criteria provided, single submitter. Criteria: NYGC Assertion Criteria 2020. Collection method: clinical testing. Allele origin: germline. Observed: 1 heterozygote.

Center for Genomics, Ann and Robert H. Lurie Children's Hospital of Chicago
Classification: Uncertain significance for Alstrom syndrome. Last evaluated: 2021-03-30. Review status: criteria provided, single submitter. Criteria: ACMG Guidelines, 2015. Collection method: clinical testing. Allele origin: germline.
Comment: ALMS1 NM_015120.4 exon 8 p.Arg1817Leu (c.5450G>T): This variant has not been reported in the literature but is present in 0.08% (9/10352) of Ashkenazi Jewish alleles in the Genome Aggregation Database. Evolutionary conservation and computational predictive tools suggest that this variant may not impact the protein. In summary, data on this variant is insufficient for disease classification. Therefore, the clinical significance of this variant is uncertain.

Natera, Inc.
Classification: Likely benign for Alstrom syndrome. Last evaluated: 2020-10-01. Review status: no assertion criteria provided. Collection method: clinical testing. Allele origin: germline. Not counted in ClinVar's aggregate classification.